The following is an entry in ClinVar:

NM_001868.4(CPA1):c.734G>A (p.Gly245Asp)

Gene: CPA1 (carboxypeptidase A1; plus strand). Cytogenetic location: 7q32.2.
Variant type: single nucleotide variant.
Coding change: c.734G>A on transcript NM_001868.4 (MANE Select); coding-DNA position 734, G replaced by A.
Protein change: p.Gly245Asp; replaces glycine 245 with aspartic acid.
Molecular consequence: missense variant.
Genome position (GRCh38, 1-based): chr7:130,384,573, G>A. VCF-style: chr7-130384573-G-A. GRCh37 (hg19) VCF-style: chr7-130024414-G-A.
Other names: c.734G>A (NM_001868.2); short protein forms G245D.
Identifiers: ClinVar variation 2176849 (VCV002176849.7), dbSNP rs1554411729, ClinGen allele CA369282957.

ClinVar aggregate classification (germline): Uncertain significance. Review status: criteria provided, multiple submitters, no conflicts (2 of 4 stars). 2 submissions from 2 submitters: Uncertain significance (2). Last evaluated 2025-07-17.

Conditions:
Hereditary pancreatitis (PCTT). Also called: PRSS1-Related Hereditary Pancreatitis; Hereditary chronic pancreatitis. Identifiers: Orphanet 676, MedGen C0238339, MONDO:0008185, OMIM 167800.

Allele frequency attached by ClinVar (database versions not stated): TOPMed below 0.00001.
gnomAD v4.1: 4 of 1,614,240 alleles (0.00025%); highest among the groups gnomAD compares: Non-Finnish European, 0.00034%; no homozygotes.

Submissions (2):

Ambry Genetics
Classification: Uncertain significance for Hereditary pancreatitis. Last evaluated: 2025-07-17. Review status: criteria provided, single submitter. Criteria: Ambry Variant Classification Scheme 2023. Collection method: clinical testing. Allele origin: germline.
Comment: The p.G245D variant (also known as c.734G>A), located in coding exon 7 of the CPA1 gene, results from a G to A substitution at nucleotide position 734. The glycine at codon 245 is replaced by aspartic acid, an amino acid with similar properties. This amino acid position is conserved. In addition, this alteration is predicted to be tolerated by in silico analysis. Since supporting evidence is limited at this time, the clinical significance of this alteration remains unclear.

Labcorp Genetics (formerly Invitae), Labcorp
Classification: Uncertain significance. Last evaluated: 2023-03-31. Review status: criteria provided, single submitter. Criteria: Invitae Variant Classification Sherloc (09022015). Collection method: clinical testing. Allele origin: germline.
Comment: This sequence change replaces glycine, which is neutral and non-polar, with aspartic acid, which is acidic and polar, at codon 245 of the CPA1 protein (p.Gly245Asp). This variant is not present in population databases (gnomAD no frequency). This variant has not been reported in the literature in individuals affected with CPA1-related conditions. ClinVar contains an entry for this variant (Variation ID: 2176849). Advanced modeling of protein sequence and biophysical properties (such as structural, functional, and spatial information, amino acid conservation, physicochemical variation, residue mobility, and thermodynamic stability) performed at Invitae indicates that this missense variant is not expected to disrupt CPA1 protein function. In summary, the available evidence is currently insufficient to determine the role of this variant in disease. Therefore, it has been classified as a Variant of Uncertain Significance.